The following is an entry in ClinVar:

NM_000093.5(COL5A1):c.50CCCCGCTGCTGC[1] (p.Pro21_Leu24del)

Gene: COL5A1 (collagen type V alpha 1 chain; plus strand). Cytogenetic location: 9q34.3.
Variant type: Microsatellite.
Coding change: c.50CCCCGCTGCTGC[1] on transcript NM_000093.5 (MANE Select); one copy of the 12-base unit CCCCGCTGCTGC starting at c.50; the reference has two copies in a row; one copy, 12 bases deleted.
Protein change: p.Pro21_Leu24del.
Molecular consequence: inframe deletion.
Genome position (GRCh38, 1-based): chr9:134,642,249-134,642,260, CCCCGCTGCTGC deleted; deleting any 12 consecutive bases within chr9:134,642,237-134,642,260 gives the same sequence; the position shown is the placement nearest the transcript's 3' end. VCF-style (leftmost placement, unchanged base first): chr9-134642236-GCCCCGCTGCTGC-G. GRCh37 (hg19) VCF-style: chr9-137534082-GCCCCGCTGCTGC-G.
Other names: c.50CCCCGCTGCTGC[1], p.Pro21_Leu24del (NM_001278074.1).
Identifiers: ClinVar variation 3004284 (VCV003004284.1), dbSNP rs1444295577, ClinGen allele CA1129846764.

ClinVar aggregate classification (germline): Uncertain significance (1 of 4 stars; one submission).

Conditions:
Ehlers-Danlos syndrome, classic type, 1 (EDSCL1). Also called: EDS I; EHLERS-DANLOS SYNDROME, GRAVIS TYPE; EHLERS-DANLOS SYNDROME, SEVERE CLASSIC TYPE; Ehlers-Danlos syndrome, type 1; Ehlers-Danlos Syndrome, Classic Type, COL5A1-Related. Identifiers: MedGen C0268335, MONDO:0019567, OMIM 130000.

Submission:

Labcorp Genetics (formerly Invitae), Labcorp
Classification: Uncertain significance for Ehlers-Danlos syndrome, classic type, 1. Last evaluated: 2023-06-05. Review status: criteria provided, single submitter. Criteria: Invitae Variant Classification Sherloc (09022015). Collection method: clinical testing. Allele origin: germline.
Comment: In summary, the available evidence is currently insufficient to determine the role of this variant in disease. Therefore, it has been classified as a Variant of Uncertain Significance. Experimental studies and prediction algorithms are not available or were not evaluated, and the functional significance of this variant is currently unknown. This variant has not been reported in the literature in individuals affected with COL5A1-related conditions. This variant is not present in population databases (gnomAD no frequency). This variant, c.62_73del, results in the deletion of 4 amino acid(s) of the COL5A1 protein (p.Pro21_Leu24del), but otherwise preserves the integrity of the reading frame.